The following is an entry in ClinVar:

NM_000057.4(BLM):c.2822A>C (p.Gln941Pro)

Gene: BLM (BLM RecQ like helicase; plus strand). Cytogenetic location: 15q26.1.
Variant type: single nucleotide variant.
Coding change: c.2822A>C on transcript NM_000057.4 (MANE Select); coding-DNA position 2822, A replaced by C.
Protein change: p.Gln941Pro; replaces glutamine 941 with proline.
Molecular consequence: missense variant.
Genome position (GRCh38, 1-based): chr15:90,785,080, A>C. VCF-style: chr15-90785080-A-C. GRCh37 (hg19) VCF-style: chr15-91328310-A-C.
Other names: c.2822A>C, p.Gln941Pro (NM_001287246.2, NM_001287247.2); c.1697A>C, p.Gln566Pro (NM_001287248.2); short protein forms Q566P, Q941P.
Identifiers: ClinVar variation 4867497 (VCV004867497.1).

ClinVar aggregate classification (germline): Uncertain significance (1 of 4 stars; one submission).

Conditions:
Hereditary cancer-predisposing syndrome. Also called: Neoplastic Syndromes, Hereditary; Tumor predisposition; Hereditary Cancer Syndrome; Hereditary neoplastic syndrome. Identifiers: Orphanet 140162, MedGen C0027672, MeSH D009386, MONDO:0015356.

Submission:

Ambry Genetics
Classification: Uncertain significance for Hereditary cancer-predisposing syndrome. Last evaluated: 2026-04-28. Review status: criteria provided, single submitter. Criteria: Ambry Variant Classification Scheme 2023. Collection method: clinical testing. Allele origin: germline.
Comment: The p.Q941P variant (also known as c.2822A>C), located in coding exon 13 of the BLM gene, results from an A to C substitution at nucleotide position 2822. The glutamine at codon 941 is replaced by proline, an amino acid with similar properties. This amino acid position is conserved. In addition, this alteration is predicted to be deleterious by in silico analysis. Based on the available evidence, the clinical significance of this variant remains unclear.